The following is an entry in ClinVar:

ClinVar aggregate classification (germline): Uncertain significance (1 of 4 stars; one submission).

Submission:

Labcorp Genetics (formerly Invitae), Labcorp
Classification: Uncertain significance. Last evaluated: 2022-02-20. Review status: criteria provided, single submitter. Criteria: Invitae Variant Classification Sherloc (09022015). Collection method: clinical testing. Allele origin: germline.
Comment: This sequence change replaces glutamine, which is neutral and polar, with histidine, which is basic and polar, at codon 1774 of the POLE protein (p.Gln1774His). This variant is not present in population databases (gnomAD no frequency). In summary, the available evidence is currently insufficient to determine the role of this variant in disease. Therefore, it has been classified as a Variant of Uncertain Significance. Algorithms developed to predict the effect of missense changes on protein structure and function are either unavailable or do not agree on the potential impact of this missense change (SIFT: "Tolerated"; PolyPhen-2: "Possibly Damaging"; Align-GVGD: "Class C0"). This variant has not been reported in the literature in individuals affected with POLE-related conditions.

NM_006231.4(POLE):c.5322G>C (p.Gln1774His)

Gene: POLE (DNA polymerase epsilon, catalytic subunit; minus strand). Cytogenetic location: 12q24.33.
Variant type: single nucleotide variant.
Coding change: c.5322G>C on transcript NM_006231.4 (MANE Select); coding-DNA position 5322, G replaced by C.
Protein change: p.Gln1774His; replaces glutamine 1774 with histidine.
Molecular consequence: missense variant.
Genome position (GRCh38, 1-based): chr12:132,641,703, C>G on the plus strand (G>C on the coding strand, the complement: POLE is on the minus strand). VCF-style: chr12-132641703-C-G. GRCh37 (hg19) VCF-style: chr12-133218289-C-G.
Other names: short protein forms Q1774H.
Identifiers: ClinVar variation 2100746 (VCV002100746.4), dbSNP rs2541880464, ClinGen allele CA387375933.